The following is an entry in ClinVar:

NM_001037333.3(CYFIP2):c.3250C>T (p.Arg1084Trp)

Genes: CYFIP2 (cytoplasmic FMR1 interacting protein 2; plus strand), NIPAL4-DT (NIPAL4 divergent transcript; minus strand). Cytogenetic location: 5q33.3.
Variant type: single nucleotide variant.
Coding change: c.3250C>T on transcript NM_001037333.3 (MANE Select); coding-DNA position 3250, C replaced by T.
Protein change: p.Arg1084Trp; replaces arginine 1084 with tryptophan.
Molecular consequence: missense variant.
Genome position (GRCh38, 1-based): chr5:157,389,231, C>T. VCF-style: chr5-157389231-C-T. GRCh37 (hg19) VCF-style: chr5-156816239-C-T.
Other names: c.3172C>T, p.Arg1058Trp (NM_001291721.2); c.3325C>T, p.Arg1109Trp (NM_001291722.2); c.3250C>T, p.Arg1084Trp (NM_014376.4); c.3250C>T (NM_001037333.2); short protein forms R1084W, R1058W, R1109W.
Identifiers: ClinVar variation 1995565 (VCV001995565.5), dbSNP rs2532733857, ClinGen allele CA361981986.

ClinVar aggregate classification (germline): Uncertain significance. Review status: criteria provided, multiple submitters, no conflicts (2 of 4 stars). 2 submissions from 2 submitters: Uncertain significance (2). Last evaluated 2024-04-29.

Submissions (2):

GeneDx
Classification: Uncertain significance. Last evaluated: 2024-04-29. Review status: criteria provided, single submitter. Criteria: GeneDx Variant Classification Process June 2021. Collection method: clinical testing. Allele origin: germline. Affected: yes.
Comment: Not observed in large population cohorts (gnomAD); In silico analysis supports that this missense variant has a deleterious effect on protein structure/function; Has not been previously published as pathogenic or benign to our knowledge

Labcorp Genetics (formerly Invitae), Labcorp
Classification: Uncertain significance. Last evaluated: 2022-12-24. Review status: criteria provided, single submitter. Criteria: Invitae Variant Classification Sherloc (09022015). Collection method: clinical testing. Allele origin: germline.
Comment: This variant is not present in population databases (gnomAD no frequency). Algorithms developed to predict the effect of missense changes on protein structure and function are either unavailable or do not agree on the potential impact of this missense change (SIFT: "Deleterious"; PolyPhen-2: "Not Available"; Align-GVGD: "Class C65"). In summary, the available evidence is currently insufficient to determine the role of this variant in disease. Therefore, it has been classified as a Variant of Uncertain Significance. This variant has not been reported in the literature in individuals affected with CYFIP2-related conditions. This sequence change replaces arginine, which is basic and polar, with tryptophan, which is neutral and slightly polar, at codon 1084 of the CYFIP2 protein (p.Arg1084Trp).